The following is an entry in ClinVar:

ClinVar aggregate classification (germline): Pathogenic/Likely pathogenic. Review status: criteria provided, multiple submitters, no conflicts (2 of 4 stars). 9 submissions from 9 submitters: Pathogenic (5); Likely pathogenic (1). 3 of the submissions do not count toward it. Last evaluated 2025-05-15.

Conditions:
Fanconi anemia (FA). Also called: Fanconi's anemia. Identifiers: Orphanet 84, MedGen C0015625, MeSH D005199, MONDO:0019391.
Fanconi anemia complementation group A (FANCA). Also called: Fanconi anemia, group A; FANCA-Related Fanconi Anemia. Identifiers: Orphanet 84, MedGen C3469521, MONDO:0009215, OMIM 227650.

Allele frequency attached by ClinVar (database versions not stated): gnomAD 0.00001; TOPMed 0.00001; gnomAD exomes 0.00002 and 0.00004; ExAC 0.00003.

Submissions (9):

GeneKor MSA
Classification: Pathogenic for Fanconi anemia complementation group A. Last evaluated: 2025-05-15. Review status: criteria provided, single submitter. Criteria: ACMG Guidelines, 2015. Collection method: clinical testing. Allele origin: germline.
Comment: This is a single nucleotide variant located two bases upstream of exon 13 of the FANCA gene. This alteration is predicted to cause aberrant mRNA splicing, resulting in a non-functional protein (PMID:16199547). Loss-of-function variants in the FANCA gene are classified as pathogenic (PMID:19367192). This specific variant is listed in population databases (rs773906241, gnomAD frequency:0.01%) and is also recorded in the ClinVar database (VCV000439688.30). In conclusion, based on the above evidence, this variant is classified as pathogenic.

Labcorp Genetics (formerly Invitae), Labcorp
Classification: Pathogenic for Fanconi anemia. Last evaluated: 2025-04-09. Review status: criteria provided, single submitter. Criteria: Invitae Variant Classification Sherloc (09022015). Collection method: clinical testing. Allele origin: germline.
Comment: This sequence change affects an acceptor splice site in intron 13 of the FANCA gene. It is expected to disrupt RNA splicing. Variants that disrupt the donor or acceptor splice site typically lead to a loss of protein function (PMID: 16199547), and loss-of-function variants in FANCA are known to be pathogenic (PMID: 19367192). This variant is present in population databases (rs773906241, gnomAD 0.01%). Disruption of this splice site has been observed in individuals with Fanconi anemia (PMID: 29098742; internal data). ClinVar contains an entry for this variant (Variation ID: 439688). Algorithms developed to predict the effect of sequence changes on RNA splicing suggest that this variant may disrupt the consensus splice site. For these reasons, this variant has been classified as Pathogenic.

Baylor Genetics
Classification: Pathogenic for Fanconi anemia complementation group A. Last evaluated: 2023-11-23. Review status: criteria provided, single submitter. Criteria: ACMG Guidelines, 2015. Collection method: clinical testing. Allele origin: unknown.

Revvity Omics, Revvity
Classification: Pathogenic for Fanconi anemia complementation group A. Last evaluated: 2021-04-01. Review status: criteria provided, single submitter. Criteria: ACMG Guidelines, 2015. Collection method: clinical testing. Allele origin: germline.

Fulgent Genetics
Classification: Likely pathogenic for Fanconi anemia complementation group A. Last evaluated: 2018-10-31. Review status: criteria provided, single submitter. Criteria: ACMG Guidelines, 2015. Collection method: clinical testing. Allele origin: unknown.

ARUP Laboratories, Molecular Genetics and Genomics, ARUP Laboratories
Classification: Pathogenic. Last evaluated: 2017-04-10. Review status: criteria provided, single submitter. Criteria: ARUP Molecular Germline Variant Investigation Process. Collection method: clinical testing. Allele origin: germline.

Natera, Inc.
Classification: Pathogenic for Fanconi anemia. Last evaluated: 2020-07-23. Review status: no assertion criteria provided. Collection method: clinical testing. Allele origin: germline. Not counted in ClinVar's aggregate classification.

Leiden Open Variation Database
Classification: Pathogenic for Fanconi anemia complementation group A. Last evaluated: 2020-02-28. Review status: no assertion criteria provided. Collection method: curation. Allele origin: germline. Affected: yes. Not counted in ClinVar's aggregate classification.
Comment: Curator: Arleen D. Auerbach. Submitter to LOVD: Arleen D. Auerbach.

Counsyl
Classification: Likely pathogenic for Fanconi anemia complementation group A. Last evaluated: 2017-06-08. Review status: no assertion criteria provided. Collection method: clinical testing. Allele origin: unknown. Not counted in ClinVar's aggregate classification.

Literature cited by the submitters: PubMed 16199547 (cited by GeneKor MSA and Labcorp Genetics (formerly Invitae), Labcorp); PubMed 19367192 (cited by GeneKor MSA and Labcorp Genetics (formerly Invitae), Labcorp); PubMed 29098742 (cited by Labcorp Genetics (formerly Invitae), Labcorp).

NM_000135.4(FANCA):c.1226-2A>G

Gene: FANCA (FA complementation group A; minus strand). Cytogenetic location: 16q24.3.
Variant type: single nucleotide variant.
Coding change: c.1226-2A>G on transcript NM_000135.4 (MANE Select); the canonical splice acceptor site of the intron before coding-DNA position 1226, A replaced by G.
Molecular consequence: splice acceptor variant.
Genome position (GRCh38, 1-based): chr16:89,791,538, T>C on the plus strand (A>G on the coding strand, the complement: FANCA is on the minus strand). VCF-style: chr16-89791538-T-C. GRCh37 (hg19) VCF-style: chr16-89857946-T-C.
Other names: c.1226-2A>G (NM_001286167.3).
Identifiers: ClinVar variation 439688 (VCV000439688.33), dbSNP rs773906241, ClinGen allele CA8252436.
Genomic context (GRCh38, chr16:89,791,538, plus strand): 5'-GACCATGCTGTCCAGCTGGCAGCTCTCGAATGCCTGGGCCATCAAACGCGCCACCCAGTC[T>C]AGTTAAGAACCATGACATAGTCACAGCAAGGCAAGGGCAGCCAGCAGGAACATGACGTGA-3'